The following is an entry in ClinVar:

ClinVar aggregate classification (germline): Uncertain significance. Review status: criteria provided, multiple submitters, no conflicts (2 of 4 stars). 4 submissions from 4 submitters: Uncertain significance (4). Last evaluated 2025-11-28.

Conditions:
Hereditary nonpolyposis colorectal neoplasms. Identifiers: MedGen C0009405, MeSH D003123.
Hereditary cancer-predisposing syndrome. Also called: Tumor predisposition; Hereditary neoplastic syndrome; Neoplastic Syndromes, Hereditary; Hereditary Cancer Syndrome. Identifiers: Orphanet 140162, MedGen C0027672, MeSH D009386, MONDO:0015356.
Lynch syndrome. Identifiers: Orphanet 144, MedGen C4552100, MONDO:0005835. Disease mechanism: loss of function.

Allele frequency attached by ClinVar (database versions not stated): gnomAD exomes below 0.00001; ExAC 0.00001.
gnomAD v4.1: 1 of 1,614,142 alleles (0.000062%); highest among the groups gnomAD compares: Non-Finnish European, 0.000085%; no homozygotes.

Submissions (4):

Labcorp Genetics (formerly Invitae), Labcorp
Classification: Uncertain significance for Hereditary nonpolyposis colorectal neoplasms. Last evaluated: 2025-11-28. Review status: criteria provided, single submitter. Criteria: Invitae Variant Classification Sherloc (09022015). Collection method: clinical testing. Allele origin: germline.
Comment: This sequence change replaces threonine, which is neutral and polar, with serine, which is neutral and polar, at codon 430 of the PMS2 protein (p.Thr430Ser). This variant is present in population databases (rs587781382, gnomAD 0.0009%). This variant has not been reported in the literature in individuals affected with PMS2-related conditions. ClinVar contains an entry for this variant (Variation ID: 818809). Invitae Evidence Modeling incorporating data from in vitro experimental studies (internal data) indicates that this missense variant is not expected to disrupt PMS2 function with a negative predictive value of 95%. In summary, the available evidence is currently insufficient to determine the role of this variant in disease. Therefore, it has been classified as a Variant of Uncertain Significance.

All of Us Research Program, National Institutes of Health
Classification: Uncertain significance for Lynch syndrome. Last evaluated: 2023-12-13. Review status: criteria provided, single submitter. Criteria: ACMG Guidelines, 2015. Collection method: clinical testing. Allele origin: germline. Inheritance: Autosomal dominant inheritance. Observed: 1 variant allele, 1 heterozygote.
Comment: This missense variant replaces threonine with serine at codon 430 of the PMS2 protein. Computational prediction suggests that this variant may not impact protein structure and function (internally defined REVEL score threshold <= 0.5, PMID: 27666373). To our knowledge, functional studies have not been reported for this variant. This variant has not been reported in individuals affected with PMS2-related disorders in the literature. This variant has been identified in 1/250968 chromosomes in the general population by the Genome Aggregation Database (gnomAD). The available evidence is insufficient to determine the role of this variant in disease conclusively. Therefore, this variant is classified as a Variant of Uncertain Significance.

This study involves interpretation of variants in research participants for the purpose of population health screening. Participant phenotype was not available at the time of variant classification. Additional details can be found in publication PMID: 35346344, PMCID: PMC8962531

Ambry Genetics
Classification: Uncertain significance for Hereditary cancer-predisposing syndrome. Last evaluated: 2023-01-27. Review status: criteria provided, single submitter. Criteria: Ambry Variant Classification Scheme 2023. Collection method: clinical testing. Allele origin: germline.
Comment: The p.T430S variant (also known as c.1288A>T), located in coding exon 11 of the PMS2 gene, results from an A to T substitution at nucleotide position 1288. The threonine at codon 430 is replaced by serine, an amino acid with similar properties. This amino acid position is not well conserved in available vertebrate species. In addition, this alteration is predicted to be tolerated by in silico analysis. Since supporting evidence is limited at this time, the clinical significance of this alteration remains unclear.

GeneDx
Classification: Uncertain significance. Last evaluated: 2021-10-15. Review status: criteria provided, single submitter. Criteria: GeneDx Variant Classification Process June 2021. Collection method: clinical testing. Allele origin: germline. Affected: yes.
Comment: Not observed at significant frequency in large population cohorts (Lek 2016); In silico analysis supports that this missense variant does not alter protein structure/function; Has not been previously published as pathogenic or benign to our knowledge

NM_000535.7(PMS2):c.1288A>T (p.Thr430Ser)

Gene: PMS2 (PMS1 homolog 2, mismatch repair system component; minus strand). Cytogenetic location: 7p22.1.
Variant type: single nucleotide variant.
Coding change: c.1288A>T on transcript NM_000535.7 (MANE Select); coding-DNA position 1288, A replaced by T.
Protein change: p.Thr430Ser; replaces threonine 430 with serine.
Molecular consequence: missense variant. On other transcripts: non-coding transcript variant (1).
Genome position (GRCh38, 1-based): chr7:5,987,477, T>A on the plus strand (A>T on the coding strand, the complement: PMS2 is on the minus strand). VCF-style: chr7-5987477-T-A. GRCh37 (hg19) VCF-style: chr7-6027108-T-A.
Other names: c.883A>T, p.Thr295Ser (NM_001322003.2, NM_001322004.2, NM_001322005.2 and 1 more transcripts); c.1132A>T, p.Thr378Ser (NM_001322006.2); c.970A>T, p.Thr324Ser (NM_001322007.2, NM_001322008.2); c.727A>T, p.Thr243Ser (NM_001322010.2); c.355A>T, p.Thr119Ser (NM_001322011.2, NM_001322012.2); c.715A>T, p.Thr239Ser (NM_001322013.2); c.1288A>T, p.Thr430Ser (NM_001322014.2); c.979A>T, p.Thr327Ser (NM_001322015.2); short protein forms T119S, T243S, T295S, T378S, T327S, T239S, T324S, T430S.
Identifiers: ClinVar variation 818809 (VCV000818809.17), dbSNP rs587781382, ClinGen allele CA042955.